The following is an entry in ClinVar:

ClinVar aggregate classification (germline): Uncertain significance. Review status: criteria provided, multiple submitters, no conflicts (2 of 4 stars). 2 submissions from 2 submitters: Uncertain significance (2). Last evaluated 2023-10-06.

Conditions:
Primary ciliary dyskinesia. Also called: Ciliary dyskinesia. Identifiers: Orphanet 244, MedGen C0008780, MONDO:0016575, HP:0012265.

Allele frequency attached by ClinVar (database versions not stated): gnomAD 0.00001; TOPMed 0.00001.
gnomAD v4.1: 12 of 1,614,000 alleles (0.00074%); highest among the groups gnomAD compares: Middle Eastern, 0.016%; no homozygotes.

Submissions (2):

Blueprint Genetics
Classification: Uncertain significance. Last evaluated: 2023-10-06. Review status: criteria provided, single submitter. Criteria: ACMG Guidelines, 2015. Collection method: clinical testing. Allele origin: germline.

Labcorp Genetics (formerly Invitae), Labcorp
Classification: Uncertain significance for Primary ciliary dyskinesia. Last evaluated: 2021-12-18. Review status: criteria provided, single submitter. Criteria: Invitae Variant Classification Sherloc (09022015). Collection method: clinical testing. Allele origin: germline.
Comment: In summary, the available evidence is currently insufficient to determine the role of this variant in disease. Therefore, it has been classified as a Variant of Uncertain Significance. Algorithms developed to predict the effect of missense changes on protein structure and function are either unavailable or do not agree on the potential impact of this missense change (SIFT: "Deleterious"; PolyPhen-2: "Not Available"; Align-GVGD: "Class C15"). This variant has not been reported in the literature in individuals affected with DNAH8-related conditions. This variant is present in population databases (no rsID available, gnomAD 0.003%). This sequence change replaces histidine, which is basic and polar, with leucine, which is neutral and non-polar, at codon 3882 of the DNAH8 protein (p.His3882Leu).

NM_001206927.2(DNAH8):c.11645A>T (p.His3882Leu)

Genes: DNAH8-AS1 (DNAH8 antisense RNA 1; minus strand), DNAH8 (dynein axonemal heavy chain 8; plus strand). Cytogenetic location: 6p21.2.
Variant type: single nucleotide variant.
Coding change: c.11645A>T on transcript NM_001206927.2 (MANE Select); coding-DNA position 11645, A replaced by T.
Protein change: p.His3882Leu; replaces histidine 3882 with leucine.
Molecular consequence: missense variant.
Genome position (GRCh38, 1-based): chr6:38,938,055, A>T. VCF-style: chr6-38938055-A-T. GRCh37 (hg19) VCF-style: chr6-38905831-A-T.
Other names: c.10994A>T, p.His3665Leu (NM_001371.4); short protein forms H3882L, H3665L.
Identifiers: ClinVar variation 2154723 (VCV002154723.3), dbSNP rs1459344355, ClinGen allele CA364020296.
Genomic context (GRCh38, chr6:38,938,055, plus strand): 5'-CTCTCATTGGTGTACTTCGAACTACCAAGCAGACAGCAGCTGAGGTAAGTGAAAAGTTGC[A>T]TGTGGCTGCAGAAACTGAGATCAAGATCAACGCGGCTCAGGAGGAGTTCCGGCCCGCAGC-3'
Protein context (NP_001193856.1, residues 3872-3892): QTAAEVSEKL[His3882Leu]VAAETEIKIN